The following is an entry in ClinVar:

ClinVar aggregate classification (germline): Conflicting classifications of pathogenicity. Review status: criteria provided, conflicting classifications (1 of 4 stars). 2 submissions from 2 submitters: Uncertain significance (1); Likely benign (1). Last evaluated 2026-05-15.

Conditions:
Erythrocytosis, familial, 3 (ECYT3). Identifiers: Orphanet 247511, MedGen C1853286, MONDO:0012353, OMIM 609820.

Submissions (2):

Ambry Genetics
Classification: Likely benign. Last evaluated: 2026-05-15. Review status: criteria provided, single submitter. Criteria: Ambry Variant Classification Scheme 2023. Collection method: clinical testing. Allele origin: germline.

Labcorp Genetics (formerly Invitae), Labcorp
Classification: Uncertain significance for Erythrocytosis, familial, 3. Last evaluated: 2024-10-27. Review status: criteria provided, single submitter. Criteria: Invitae Variant Classification Sherloc (09022015). Collection method: clinical testing. Allele origin: germline.
Comment: This sequence change replaces aspartic acid, which is acidic and polar, with glutamic acid, which is acidic and polar, at codon 224 of the EGLN1 protein (p.Asp224Glu). This variant is not present in population databases (gnomAD no frequency). This variant has not been reported in the literature in individuals affected with EGLN1-related conditions. An algorithm developed to predict the effect of missense changes on protein structure and function outputs the following: PolyPhen-2: "Benign". The glutamic acid amino acid residue is found in multiple mammalian species, which suggests that this missense change does not adversely affect protein function. In summary, the available evidence is currently insufficient to determine the role of this variant in disease. Therefore, it has been classified as a Variant of Uncertain Significance.

NM_022051.3(EGLN1):c.672C>G (p.Asp224Glu)

Gene: EGLN1 (egl-9 family hypoxia inducible factor 1; minus strand). Cytogenetic location: 1q42.2.
Variant type: single nucleotide variant.
Coding change: c.672C>G on transcript NM_022051.3 (MANE Select); coding-DNA position 672, C replaced by G.
Protein change: p.Asp224Glu; replaces aspartic acid 224 with glutamic acid.
Molecular consequence: missense variant.
Genome position (GRCh38, 1-based): chr1:231,421,217, G>C on the plus strand (C>G on the coding strand, the complement: EGLN1 is on the minus strand). VCF-style: chr1-231421217-G-C. GRCh37 (hg19) VCF-style: chr1-231556963-G-C.
Other names: c.672C>G (NM_022051.2); c.672C>G, p.Asp224Glu (NM_001377260.1, NM_001377261.1); short protein forms D224E.
Identifiers: ClinVar variation 3723839 (VCV003723839.3).